The following is an entry in ClinVar:

ClinVar aggregate classification (germline): Uncertain significance. Review status: criteria provided, multiple submitters, no conflicts (2 of 4 stars). 2 submissions from 2 submitters: Uncertain significance (2). Last evaluated 2023-12-18.

Conditions:
Familial thoracic aortic aneurysm and aortic dissection (TAAD). Also called: Thoracic aortic aneurysms and dissections. Identifiers: Orphanet 91387, MedGen C4707243, MONDO:0019625.

Allele frequency attached by ClinVar (database versions not stated): gnomAD exomes below 0.00001; ExAC 0.00001; gnomAD 0.00001.
gnomAD v4.1: 3 of 1,614,086 alleles (0.00019%); highest among the groups gnomAD compares: Admixed American, 0.0033%; no homozygotes.

Submissions (2):

All of Us Research Program, National Institutes of Health
Classification: Uncertain significance for Familial thoracic aortic aneurysm and aortic dissection. Last evaluated: 2023-12-18. Review status: criteria provided, single submitter. Criteria: ACMG Guidelines, 2015. Collection method: clinical testing. Allele origin: germline. Inheritance: Autosomal dominant inheritance. Observed: 1 variant allele, 1 heterozygote.
Comment: This missense variant replaces aspartic acid with glutamic acid at codon 305 of the MYH11 protein. Computational prediction suggests that this variant may not impact protein structure and function (internally defined REVEL score threshold <= 0.5, PMID: 27666373). To our knowledge, functional studies have not been reported for this variant. This variant has not been reported in individuals affected with MYH11-related disorders in the literature. This variant has been identified in 1/251416 chromosomes in the general population by the Genome Aggregation Database (gnomAD). The available evidence is insufficient to determine the role of this variant in disease conclusively. Therefore, this variant is classified as a Variant of Uncertain Significance.

This study involves interpretation of variants in research participants for the purpose of population health screening. Participant phenotype was not available at the time of variant classification. Additional details can be found in publication PMID: 35346344, PMCID: PMC8962531

Color Diagnostics, LLC DBA Color Health
Classification: Uncertain significance for Familial thoracic aortic aneurysm and aortic dissection. Last evaluated: 2023-11-22. Review status: criteria provided, single submitter. Criteria: ACMG Guidelines, 2015. Collection method: clinical testing. Allele origin: germline.
Comment: This missense variant replaces aspartic acid with glutamic acid at codon 305 of the MYH11 protein. Computational prediction suggests that this variant may not impact protein structure and function. To our knowledge, functional studies have not been reported for this variant. This variant has not been reported in individuals affected with MYH11-related disorders in the literature. This variant has been identified in 1/251416 chromosomes in the general population by the Genome Aggregation Database (gnomAD). The available evidence is insufficient to determine the role of this variant in disease conclusively. Therefore, this variant is classified as a Variant of Uncertain Significance.

NM_002474.3(MYH11):c.894C>A (p.Asp298Glu)

Gene: MYH11 (myosin heavy chain 11; minus strand). Cytogenetic location: 16p13.11.
Variant type: single nucleotide variant.
Coding change: c.894C>A on transcript NM_002474.3 (MANE Select); coding-DNA position 894, C replaced by A.
Protein change: p.Asp298Glu; replaces aspartic acid 298 with glutamic acid.
Molecular consequence: missense variant.
Genome position (GRCh38, 1-based): chr16:15,771,708, G>T on the plus strand (C>A on the coding strand, the complement: MYH11 is on the minus strand). VCF-style: chr16-15771708-G-T. GRCh37 (hg19) VCF-style: chr16-15865565-G-T.
Other names: c.915C>A, p.Asp305Glu (NM_001040113.2, NM_001040114.2); c.894C>A, p.Asp298Glu (NM_022844.3); short protein forms D298E, D305E.
Identifiers: ClinVar variation 3075078 (VCV003075078.2), dbSNP rs752421610, ClinGen allele CA7922776.